The following is an entry in ClinVar:

ClinVar aggregate classification (germline): Pathogenic. Review status: criteria provided, single submitter (1 of 4 stars). 2 submissions from 2 submitters: Pathogenic (1). 1 of the submissions does not count toward it. Last evaluated 2024-07-19.

Conditions:
NOTCH1-related disorder. Also called: NOTCH1-related condition; NOTCH1-related disorders.

Submissions (2):

GeneDx
Classification: Pathogenic. Last evaluated: 2024-07-19. Review status: criteria provided, single submitter. Criteria: GeneDx Variant Classification Process June 2021. Collection method: clinical testing. Allele origin: germline. Affected: yes.
Comment: Frameshift variant predicted to result in protein truncation or nonsense mediated decay in a gene for which loss of function is a known mechanism of disease; Not observed at significant frequency in large population cohorts (gnomAD); Has not been previously published as pathogenic or benign to our knowledge

PreventionGenetics, part of Exact Sciences
Classification: Likely pathogenic for NOTCH1-related condition. Last evaluated: 2024-06-18. Review status: no assertion criteria provided. Collection method: clinical testing. Allele origin: germline. Not counted in ClinVar's aggregate classification.
Comment: The NOTCH1 c.3332_3347del16 variant is predicted to result in a frameshift and premature protein termination (p.Asp1111Alafs*63). To our knowledge, this variant has not been reported in the literature or in a large population database, indicating this variant is rare. Frameshift variants in NOTCH1 are expected to be pathogenic. This variant is interpreted as likely pathogenic.

NM_017617.5(NOTCH1):c.3332_3347del (p.Asp1111fs)

Gene: NOTCH1 (notch receptor 1; minus strand). Cytogenetic location: 9q34.3.
Variant type: Deletion.
Coding change: c.3332_3347del on transcript NM_017617.5 (MANE Select); coding-DNA positions 3332 to 3347, 16 bases deleted (ACGTTGCCCGCCTGTG).
Protein change: p.Asp1111fs; shifts the reading frame from aspartic acid 1111.
Molecular consequence: frameshift variant.
Genome position (GRCh38, 1-based): chr9:136,508,118-136,508,133, CACAGGCGGGCAACGT deleted on the plus strand (ACGTTGCCCGCCTGTG on the coding strand, the reverse complement: NOTCH1 is on the minus strand); deleting any 16 consecutive bases within chr9:136,508,118-136,508,135 gives the same sequence; the c. name uses the placement nearest the transcript's 3' end. VCF-style (leftmost placement, unchanged base first): chr9-136508117-GCACAGGCGGGCAACGT-G. GRCh37 (hg19) VCF-style: chr9-139402569-GCACAGGCGGGCAACGT-G.
Other names: c.3332_3347del (NM_017617.3); short protein forms D1111fs.
Identifiers: ClinVar variation 3345218 (VCV003345218.2).